The following is an entry in ClinVar:

ClinVar aggregate classification (germline): Uncertain significance. Review status: criteria provided, multiple submitters, no conflicts (2 of 4 stars). 2 submissions from 2 submitters: Uncertain significance (2). Last evaluated 2023-03-20.

Conditions:
Hereditary cancer-predisposing syndrome. Also called: Tumor predisposition; Hereditary neoplastic syndrome; Neoplastic Syndromes, Hereditary; Hereditary Cancer Syndrome. Identifiers: Orphanet 140162, MedGen C0027672, MeSH D009386, MONDO:0015356.
Hereditary breast ovarian cancer syndrome. Also called: Hereditary breast and ovarian cancer; Hereditary breast and ovarian cancer syndrome; Hereditary breast and/or ovarian cancer syndrome; Hereditary breast and ovarian cancer syndrome (HBOC); Breast and ovarian cancer; BRCA1- and BRCA2-Associated Hereditary Breast and Ovarian Cancer. Identifiers: Orphanet 145, MedGen C0677776, MeSH D061325, MONDO:0003582. Disease mechanism: loss of function.

Allele frequency attached by ClinVar (database versions not stated): TOPMed below 0.00001; gnomAD 0.00001.
gnomAD v4.1: 1 of 1,613,606 alleles (0.000062%); highest among the groups gnomAD compares: African/African-American, 0.0013%; no homozygotes.

Submissions (2):

Ambry Genetics
Classification: Uncertain significance for Hereditary cancer-predisposing syndrome. Last evaluated: 2023-03-20. Review status: criteria provided, single submitter. Criteria: Ambry Variant Classification Scheme 2023. Collection method: clinical testing. Allele origin: germline.
Comment: The p.V2468A variant (also known as c.7403T>C), located in coding exon 13 of the BRCA2 gene, results from a T to C substitution at nucleotide position 7403. The valine at codon 2468 is replaced by alanine, an amino acid with similar properties. This amino acid position is not well conserved in available vertebrate species. In addition, this alteration is predicted to be tolerated by in silico analysis. Since supporting evidence is limited at this time, the clinical significance of this alteration remains unclear.

Labcorp Genetics (formerly Invitae), Labcorp
Classification: Uncertain significance for Hereditary breast ovarian cancer syndrome. Last evaluated: 2020-11-26. Review status: criteria provided, single submitter. Criteria: Invitae Variant Classification Sherloc (09022015). Collection method: clinical testing. Allele origin: germline.
Comment: Advanced modeling of protein sequence and biophysical properties (such as structural, functional, and spatial information, amino acid conservation, physicochemical variation, residue mobility, and thermodynamic stability) performed at Invitae indicates that this missense variant is not expected to disrupt BRCA2 protein function. This variant has not been reported in the literature in individuals with BRCA2-related conditions. This variant is not present in population databases (ExAC no frequency). This sequence change replaces valine with alanine at codon 2468 of the BRCA2 protein (p.Val2468Ala). The valine residue is weakly conserved and there is a small physicochemical difference between valine and alanine. In summary, the available evidence is currently insufficient to determine the role of this variant in disease. Therefore, it has been classified as a Variant of Uncertain Significance.

NM_000059.4(BRCA2):c.7403T>C (p.Val2468Ala)

Gene: BRCA2 (BRCA2 DNA repair associated; plus strand). Cytogenetic location: 13q13.1.
Variant type: single nucleotide variant.
Coding change: c.7403T>C on transcript NM_000059.4 (MANE Select); coding-DNA position 7403, T replaced by C.
Protein change: p.Val2468Ala; replaces valine 2468 with alanine.
Molecular consequence: missense variant.
Genome position (GRCh38, 1-based): chr13:32,355,256, T>C. VCF-style: chr13-32355256-T-C. GRCh37 (hg19) VCF-style: chr13-32929393-T-C.
Other names: c.7403T>C (NM_000059.3); short protein forms V2468A.
Identifiers: ClinVar variation 1494053 (VCV001494053.9), dbSNP rs1237865460, ClinGen allele CA387741848.